The following is an entry in ClinVar:

NM_020831.6(MRTFA):c.1816G>A (p.Gly606Arg)

Gene: MRTFA (myocardin related transcription factor A; minus strand). Cytogenetic location: 22q13.1.
Variant type: single nucleotide variant.
Coding change: c.1816G>A on transcript NM_020831.6 (MANE Select); coding-DNA position 1816, G replaced by A.
Protein change: p.Gly606Arg; replaces glycine 606 with arginine.
Molecular consequence: missense variant.
Genome position (GRCh38, 1-based): chr22:40,418,922, C>T on the plus strand (G>A on the coding strand, the complement: MRTFA is on the minus strand). VCF-style: chr22-40418922-C-T. GRCh37 (hg19) VCF-style: chr22-40814926-C-T.
Other names: c.1516G>A, p.Gly506Arg (NM_001282660.2); c.1666G>A, p.Gly556Arg (NM_001282661.3); c.1816G>A, p.Gly606Arg (NM_001282662.3); c.1621G>A, p.Gly541Arg (NM_001318139.2); c.1516G>A (NM_020831.3); short protein forms G506R, G541R, G556R, G606R.
Identifiers: ClinVar variation 1683034 (VCV001683034.7), dbSNP rs373851546, ClinGen allele CA10249537.

ClinVar aggregate classification (germline): Uncertain significance. Review status: criteria provided, multiple submitters, no conflicts (2 of 4 stars). 2 submissions from 2 submitters: Uncertain significance (2). Last evaluated 2025-11-22.

Allele frequency attached by ClinVar (database versions not stated): gnomAD 0.00010 and 0.00011; TOPMed 0.00011; ESP Exome Variant Server 0.00015.
gnomAD v4.1: 82 of 1,612,792 alleles (0.0051%); highest among the groups gnomAD compares: African/African-American, 0.017%; no homozygotes.

Submissions (2):

Labcorp Genetics (formerly Invitae), Labcorp
Classification: Uncertain significance. Last evaluated: 2025-11-22. Review status: criteria provided, single submitter. Criteria: Invitae Variant Classification Sherloc (09022015). Collection method: clinical testing. Allele origin: germline.
Comment: This sequence change replaces glycine, which is neutral and non-polar, with arginine, which is basic and polar, at codon 506 of the MKL1 protein (p.Gly506Arg). This variant is present in population databases (rs373851546, gnomAD 0.02%). This variant has not been reported in the literature in individuals affected with MKL1-related conditions. ClinVar contains an entry for this variant (Variation ID: 1683034). An algorithm developed to predict the effect of missense changes on protein structure and function (PolyPhen-2) suggests that this variant is likely to be disruptive. In summary, the available evidence is currently insufficient to determine the role of this variant in disease. Therefore, it has been classified as a Variant of Uncertain Significance.

Ambry Genetics
Classification: Uncertain significance. Last evaluated: 2021-08-12. Review status: criteria provided, single submitter. Criteria: Ambry Variant Classification Scheme 2023. Collection method: clinical testing. Allele origin: germline.